The following is an entry in ClinVar:

ClinVar aggregate classification (germline): Uncertain significance (1 of 4 stars; one submission).

Submission:

Labcorp Genetics (formerly Invitae), Labcorp
Classification: Uncertain significance. Last evaluated: 2023-10-18. Review status: criteria provided, single submitter. Criteria: Invitae Variant Classification Sherloc (09022015). Collection method: clinical testing. Allele origin: germline.
Comment: This sequence change replaces proline, which is neutral and non-polar, with alanine, which is neutral and non-polar, at codon 2264 of the USH2A protein (p.Pro2264Ala). This variant is not present in population databases (gnomAD no frequency). This variant has not been reported in the literature in individuals affected with USH2A-related conditions. Advanced modeling of protein sequence and biophysical properties (such as structural, functional, and spatial information, amino acid conservation, physicochemical variation, residue mobility, and thermodynamic stability) performed at Invitae indicates that this missense variant is expected to disrupt USH2A protein function. In summary, the available evidence is currently insufficient to determine the role of this variant in disease. Therefore, it has been classified as a Variant of Uncertain Significance.

NM_206933.4(USH2A):c.6790C>G (p.Pro2264Ala)

Gene: USH2A (usherin; minus strand). Cytogenetic location: 1q41.
Variant type: single nucleotide variant.
Coding change: c.6790C>G on transcript NM_206933.4 (MANE Select); coding-DNA position 6790, C replaced by G.
Protein change: p.Pro2264Ala; replaces proline 2264 with alanine.
Molecular consequence: missense variant.
Genome position (GRCh38, 1-based): chr1:215,993,035, G>C on the plus strand (C>G on the coding strand, the complement: USH2A is on the minus strand). VCF-style: chr1-215993035-G-C. GRCh37 (hg19) VCF-style: chr1-216166377-G-C.
Other names: short protein forms P2264A.
Identifiers: ClinVar variation 2769945 (VCV002769945.3), dbSNP rs768889043, ClinGen allele CA344860182.